The following is an entry in ClinVar:

ClinVar aggregate classification (germline): Pathogenic/Likely pathogenic. Review status: criteria provided, multiple submitters, no conflicts (2 of 4 stars). 2 submissions from 2 submitters: Pathogenic (1); Likely pathogenic (1). Last evaluated 2025-02-27.

Conditions:
Developmental and epileptic encephalopathy 94 (DEE94). Also called: Epileptic encephalopathy, childhood-onset; CHD2-Related Neurodevelopmental Disorders. Identifiers: Orphanet 1942, Orphanet 2382, MedGen C3809278, MONDO:0014150, OMIM 615369.
CHD2-related disorder. Also called: CHD2-related condition.

Submissions (2):

Labcorp Genetics (formerly Invitae), Labcorp
Classification: Pathogenic for Developmental and epileptic encephalopathy 94. Last evaluated: 2025-02-27. Review status: criteria provided, single submitter. Criteria: Invitae Variant Classification Sherloc (09022015). Collection method: clinical testing. Allele origin: germline.
Comment: This sequence change creates a premature translational stop signal (p.Ser960*) in the CHD2 gene. It is expected to result in an absent or disrupted protein product. Loss-of-function variants in CHD2 are known to be pathogenic (PMID: 23708187, 24207121). This variant is not present in population databases (gnomAD no frequency). This variant has not been reported in the literature in individuals affected with CHD2-related conditions. For these reasons, this variant has been classified as Pathogenic.

Blueprint Genetics
Classification: Likely pathogenic for CHD2-related disorders. Last evaluated: 2024-10-08. Review status: criteria provided, single submitter. Criteria: ACMG Guidelines, 2015. Collection method: clinical testing. Allele origin: germline. Affected: yes. Observed: 1 variant allele.

Literature cited by the submitters: PubMed 23708187 (cited by Labcorp Genetics (formerly Invitae), Labcorp); PubMed 24207121 (cited by Labcorp Genetics (formerly Invitae), Labcorp).

NM_001271.4(CHD2):c.2879C>G (p.Ser960Ter)

Genes: CHD2 (chromodomain helicase DNA binding protein 2; plus strand), LOC126862230 (P300/CBP strongly-dependent group 1 enhancer GRCh37_chr15:93523977-93525176; plus strand). Cytogenetic location: 15q26.1.
Variant type: single nucleotide variant.
Coding change: c.2879C>G on transcript NM_001271.4 (MANE Select); coding-DNA position 2879, C replaced by G.
Protein change: p.Ser960Ter; replaces serine 960 with a stop codon.
Molecular consequence: nonsense.
Genome position (GRCh38, 1-based): chr15:92,980,817, C>G. VCF-style: chr15-92980817-C-G. GRCh37 (hg19) VCF-style: chr15-93524047-C-G.
Other names: short protein forms S960*.
Identifiers: ClinVar variation 4714057 (VCV004714057.2).